The following is an entry in ClinVar:

NM_001077653.2(TBX20):c.655-1G>C

Gene: TBX20 (T-box transcription factor 20; minus strand). Cytogenetic location: 7p14.2.
Variant type: single nucleotide variant.
Coding change: c.655-1G>C on transcript NM_001077653.2 (MANE Select); the canonical splice acceptor site of the intron before coding-DNA position 655, G replaced by C.
Molecular consequence: splice acceptor variant.
Genome position (GRCh38, 1-based): chr7:35,241,038, C>G on the plus strand (G>C on the coding strand, the complement: TBX20 is on the minus strand). VCF-style: chr7-35241038-C-G. GRCh37 (hg19) VCF-style: chr7-35280650-C-G.
Other names: c.655-1G>C (NM_001166220.1).
Identifiers: ClinVar variation 1357862 (VCV001357862.8), dbSNP rs2128714675, ClinGen allele CA367264246.

ClinVar aggregate classification (germline): Likely pathogenic (1 of 4 stars; one submission).

Submission:

Labcorp Genetics (formerly Invitae), Labcorp
Classification: Likely pathogenic. Last evaluated: 2024-01-24. Review status: criteria provided, single submitter. Criteria: Invitae Variant Classification Sherloc (09022015). Collection method: clinical testing. Allele origin: germline.
Comment: This sequence change affects an acceptor splice site in intron 4 of the TBX20 gene. It is expected to disrupt RNA splicing. Variants that disrupt the donor or acceptor splice site typically lead to a loss of protein function (PMID: 16199547), and loss-of-function variants in TBX20 are known to be pathogenic (PMID: 15901664, 25625280, 26118961, 27510170). This variant is not present in population databases (gnomAD no frequency). This variant has not been reported in the literature in individuals affected with TBX20-related conditions. ClinVar contains an entry for this variant (Variation ID: 1357862). Algorithms developed to predict the effect of sequence changes on RNA splicing suggest that this variant may disrupt the consensus splice site. In summary, the currently available evidence indicates that the variant is pathogenic, but additional data are needed to prove that conclusively. Therefore, this variant has been classified as Likely Pathogenic.

Literature cited by the submitters: PubMed 16199547; PubMed 15901664; PubMed 25625280; PubMed 26118961; PubMed 27510170.